The following is an entry in ClinVar:

ClinVar aggregate classification (germline): Uncertain significance (1 of 4 stars; one submission).

Conditions:
ANKRD26-related disorder. Also called: ANKRD26-related condition.

Submission:

PreventionGenetics, part of Exact Sciences
Classification: Uncertain significance for ANKRD26-related condition. Last evaluated: 2022-10-26. Review status: criteria provided, single submitter. Criteria: ACMG Guidelines, 2015. Collection method: clinical testing. Allele origin: germline.
Comment: The ANKRD26 c.4325A>T variant is predicted to result in the amino acid substitution p.Lys1442Met. To our knowledge, this variant has not been reported in the literature or in a large population database, indicating this variant is rare. At this time, the clinical significance of this variant is uncertain due to the absence of conclusive functional and genetic evidence.

NM_014915.3(ANKRD26):c.4325A>T (p.Lys1442Met)

Gene: ANKRD26 (ankyrin repeat domain containing 26; minus strand). Cytogenetic location: 10p12.1.
Variant type: single nucleotide variant.
Coding change: c.4325A>T on transcript NM_014915.3 (MANE Select); coding-DNA position 4325, A replaced by T.
Protein change: p.Lys1442Met; replaces lysine 1442 with methionine.
Molecular consequence: missense variant.
Genome position (GRCh38, 1-based): chr10:27,017,683, T>A on the plus strand (A>T on the coding strand, the complement: ANKRD26 is on the minus strand). VCF-style: chr10-27017683-T-A. GRCh37 (hg19) VCF-style: chr10-27306612-T-A.
Other names: c.4322A>T, p.Lys1441Met (NM_001256053.2); short protein forms K1441M, K1442M.
Identifiers: ClinVar variation 2635372 (VCV002635372.1), dbSNP rs2538573180, ClinGen allele CA376357853.